The following is an entry in ClinVar:

ClinVar aggregate classification (germline): Pathogenic (1 of 4 stars; one submission).

Conditions:
Lipoic acid synthetase deficiency. Also called: HYPERGLYCINEMIA, LACTIC ACIDOSIS, AND SEIZURES. Identifiers: Orphanet 401859, MedGen C3280887, MONDO:0013762, OMIM 614462.

Submission:

Labcorp Genetics (formerly Invitae), Labcorp
Classification: Pathogenic for Lipoic acid synthetase deficiency. Last evaluated: 2020-02-22. Review status: criteria provided, single submitter. Criteria: Invitae Variant Classification Sherloc (09022015). Collection method: clinical testing. Allele origin: germline.
Comment: This sequence change creates a premature translational stop signal (p.Ala222*) in the LIAS gene. It is expected to result in an absent or disrupted protein product. This variant is not present in population databases (ExAC no frequency). This variant has not been reported in the literature in individuals with LIAS-related conditions. Loss-of-function variants in LIAS are known to be pathogenic (PMID: 24334290, 27923773). For these reasons, this variant has been classified as Pathogenic.

Literature cited by the submitters: PubMed 24334290; PubMed 27923773.

NM_006859.4(LIAS):c.664_665delinsTA (p.Ala222Ter)

Gene: LIAS (lipoic acid synthetase; plus strand). Cytogenetic location: 4p14.
Variant type: Indel.
Coding change: c.664_665delinsTA on transcript NM_006859.4 (MANE Select); coding-DNA positions 664 to 665, GC replaced by TA.
Protein change: p.Ala222Ter; replaces alanine 222 with a stop codon.
Molecular consequence: nonsense. On other transcripts: intron variant (1).
Genome position (GRCh38, 1-based): chr4:39,467,573-39,467,574, GC replaced by TA. VCF-style: chr4-39467573-GC-TA. GRCh37 (hg19) VCF-style: chr4-39469193-GC-TA.
Other names: c.355_356delinsTA, p.Ala119Ter (NM_001363700.2); c.664_665delinsTA, p.Ala222Ter (NM_194451.3); c.608+2231_608+2232delinsTA (NM_001278590.2); short protein forms A222*, A119*.
Identifiers: ClinVar variation 936919 (VCV000936919.3), dbSNP rs1744807781, ClinGen allele CA1139658477.
Genomic context (GRCh38, chr4:39,467,573, plus strand): 5'-CTTAGGAATCCAAAAATCCTTGTGGAGTGTCTTACTCCTGATTTTCGAGGTGATCTCAAA[GC>TA]AATAGAAAAAGTTGCTCTGTCAGGATTAGATGTGTATGCACATAATGTAGAAACAGTCCC-3'